The following is an entry in ClinVar:

ClinVar aggregate classification (germline): Uncertain significance. Review status: criteria provided, multiple submitters, no conflicts (2 of 4 stars). 2 submissions from 2 submitters: Uncertain significance (2). Last evaluated 2025-10-23.

Allele frequency attached by ClinVar (database versions not stated): gnomAD exomes below 0.00001.
gnomAD v4.1: 1 of 1,241,860 alleles (0.000081%); highest among the groups gnomAD compares: Admixed American, 0.0042%; no homozygotes.

Submissions (2):

Labcorp Genetics (formerly Invitae), Labcorp
Classification: Uncertain significance. Last evaluated: 2025-10-23. Review status: criteria provided, single submitter. Criteria: Invitae Variant Classification Sherloc (09022015). Collection method: clinical testing. Allele origin: germline.
Comment: This sequence change replaces threonine, which is neutral and polar, with alanine, which is neutral and non-polar, at codon 169 of the CDK13 protein (p.Thr169Ala). This variant is not present in population databases (gnomAD no frequency). This variant has not been reported in the literature in individuals affected with CDK13-related conditions. ClinVar contains an entry for this variant (Variation ID: 2885863). Invitae Evidence Modeling of protein sequence and biophysical properties (such as structural, functional, and spatial information, amino acid conservation, physicochemical variation, residue mobility, and thermodynamic stability) indicates that this missense variant is not expected to disrupt CDK13 protein function with a negative predictive value of 95%. In summary, the available evidence is currently insufficient to determine the role of this variant in disease. Therefore, it has been classified as a Variant of Uncertain Significance.

GeneDx
Classification: Uncertain significance. Last evaluated: 2023-11-08. Review status: criteria provided, single submitter. Criteria: GeneDx Variant Classification Process June 2021. Collection method: clinical testing. Allele origin: germline. Affected: yes.
Comment: Not observed at significant frequency in large population cohorts (gnomAD); In silico analysis supports that this missense variant does not alter protein structure/function; Has not been previously published as pathogenic or benign to our knowledge

NM_003718.5(CDK13):c.505A>G (p.Thr169Ala)

Gene: CDK13 (cyclin dependent kinase 13; plus strand). Cytogenetic location: 7p14.1.
Variant type: single nucleotide variant.
Coding change: c.505A>G on transcript NM_003718.5 (MANE Select); coding-DNA position 505, A replaced by G.
Protein change: p.Thr169Ala; replaces threonine 169 with alanine.
Molecular consequence: missense variant.
Genome position (GRCh38, 1-based): chr7:39,951,146, A>G. VCF-style: chr7-39951146-A-G. GRCh37 (hg19) VCF-style: chr7-39990745-A-G.
Other names: c.505A>G, p.Thr169Ala (NM_031267.4); short protein forms T169A.
Identifiers: ClinVar variation 2885863 (VCV002885863.4), dbSNP rs2116056085, ClinGen allele CA367309880.